The following is an entry in ClinVar:

ClinVar aggregate classification (germline): Uncertain significance. Review status: criteria provided, multiple submitters, no conflicts (2 of 4 stars). 3 submissions from 3 submitters: Uncertain significance (3). Last evaluated 2024-08-27.

Conditions:
Radioulnar synostosis with amegakaryocytic thrombocytopenia 2 (RUSAT2). Also called: RADIOULNAR SYNOSTOSIS AND AMEGAKARYOCYTIC THROMBOCYTOPENIA 2. Identifiers: Orphanet 71289, MedGen C4225221, MONDO:0014758, OMIM 616738.

Allele frequency attached by ClinVar (database versions not stated): gnomAD 0.00001.
gnomAD v4.1: 3 of 1,612,876 alleles (0.00019%); highest among the groups gnomAD compares: African/African-American, 0.0027%; no homozygotes.

Submissions (3):

Molecular Genetics and NGS Laboratory, Hospital Fundacion Valle Del Lili
Classification: Uncertain significance for Radioulnar synostosis with amegakaryocytic thrombocytopenia 2. Last evaluated: 2024-08-27. Review status: criteria provided, single submitter. Criteria: ACMG Guidelines, 2015. Collection method: clinical testing. Allele origin: germline. Affected: yes. Observed: 1 variant allele.

Labcorp Genetics (formerly Invitae), Labcorp
Classification: Uncertain significance. Last evaluated: 2023-07-06. Review status: criteria provided, single submitter. Criteria: Invitae Variant Classification Sherloc (09022015). Collection method: clinical testing. Allele origin: germline.
Comment: An algorithm developed to predict the effect of missense changes on protein structure and function (PolyPhen-2) suggests that this variant is likely to be disruptive. This variant has not been reported in the literature in individuals affected with MECOM-related conditions. This variant is not present in population databases (gnomAD no frequency). This sequence change replaces proline, which is neutral and non-polar, with threonine, which is neutral and polar, at codon 662 of the MECOM protein (p.Pro662Thr). Algorithms developed to predict the effect of sequence changes on RNA splicing suggest that this variant may create or strengthen a splice site. In summary, the available evidence is currently insufficient to determine the role of this variant in disease. Therefore, it has been classified as a Variant of Uncertain Significance.

Genetic Services Laboratory, University of Chicago
Classification: Uncertain significance. Last evaluated: 2023-04-25. Review status: criteria provided, single submitter. Criteria: ACMG Guidelines, 2015. Collection method: clinical testing. Allele origin: germline. Affected: no.
Comment: DNA sequence analysis of the MECOM gene demonstrated a sequence change, c.1984C>A, in exon 8 that results in an amino acid change, p.Pro662Thr. This sequence change does not appear to have been previously described in individuals with MECOM-related disorders and has also not been described in population databases such as ExAC and gnomAD. The p.Pro662Thr change affects a moderately conserved amino acid residue located in a domain of the MECOM protein that is not known to be functional. In-silico pathogenicity prediction tools (SIFT, Align GVGD, REVEL) provide contradictory results for the p.Pro662Thr substitution. Due to insufficient evidence and the lack of functional studies, the clinical significance of the p.Pro662Thr change remains unknown at this time.

NM_004991.4(MECOM):c.2548C>A (p.Pro850Thr)

Gene: MECOM (MDS1 and EVI1 complex locus; minus strand). Cytogenetic location: 3q26.2.
Variant type: single nucleotide variant.
Coding change: c.2548C>A on transcript NM_004991.4 (MANE Select); coding-DNA position 2548, C replaced by A.
Protein change: p.Pro850Thr; replaces proline 850 with threonine.
Molecular consequence: missense variant.
Genome position (GRCh38, 1-based): chr3:169,112,816, G>T on the plus strand (C>A on the coding strand, the complement: MECOM is on the minus strand). VCF-style: chr3-169112816-G-T. GRCh37 (hg19) VCF-style: chr3-168830604-G-T.
Other names: p.Pro850Thr; c.1984C>A, p.Pro662Thr (NM_001205194.2, NM_001366469.2, NM_001366471.2 and 4 more transcripts); c.2548C>A, p.Pro850Thr (NM_001366466.2); c.1987C>A, p.Pro663Thr (NM_001366467.2, NM_001366468.2, NM_001366470.2 and 1 more transcripts); c.1984C>A (NM_001105078.3); c.1576C>A, p.Pro526Thr (NM_001366473.2); c.1012C>A, p.Pro338Thr (NM_001366474.2); c.2179C>A, p.Pro727Thr (NM_001105077.4); short protein forms P338T, P526T, P662T, P727T, P663T, P850T.
Identifiers: ClinVar variation 2791266 (VCV002791266.7), dbSNP rs1727870436, ClinGen allele CA355082830.